The following is an entry in ClinVar:

NM_006393.3(NEBL):c.1478A>G (p.Glu493Gly)

Gene: NEBL (nebulette; minus strand). Cytogenetic location: 10p12.31.
Variant type: single nucleotide variant.
Coding change: c.1478A>G on transcript NM_006393.3 (MANE Select); coding-DNA position 1478, A replaced by G.
Protein change: p.Glu493Gly; replaces glutamic acid 493 with glycine.
Molecular consequence: missense variant. On other transcripts: intron variant (9).
Genome position (GRCh38, 1-based): chr10:20,831,555, T>C on the plus strand (A>G on the coding strand, the complement: NEBL is on the minus strand). VCF-style: chr10-20831555-T-C. GRCh37 (hg19) VCF-style: chr10-21120484-T-C.
Other names: c.250-18615A>G (NM_001377326.1, NM_001377327.1, NM_001377328.1); c.358-18615A>G (NM_213569.2, NM_001173484.2, NM_001377322.1); c.301-18615A>G (NM_001377324.1); c.292-18615A>G (NM_001377325.1); c.310-18615A>G (NM_001377323.1); short protein forms E493G.
Identifiers: ClinVar variation 2162083 (VCV002162083.4), dbSNP rs2491778067, ClinGen allele CA376097851.

ClinVar aggregate classification (germline): Uncertain significance (1 of 4 stars; one submission).

Conditions:
Primary dilated cardiomyopathy (DCM). Also called: Dilated Cardiomyopathy. Identifiers: Orphanet 217604, MedGen C0007193, MeSH D002311, MONDO:0005021, HP:0001644. Inheritance: Various modes of inheritance.

Allele frequency attached by ClinVar (database versions not stated): gnomAD exomes below 0.00001.
gnomAD v4.1: 6 of 1,611,006 alleles (0.00037%); highest among the groups gnomAD compares: Non-Finnish European, 0.00042%; no homozygotes.

Submission:

Labcorp Genetics (formerly Invitae), Labcorp
Classification: Uncertain significance for Primary dilated cardiomyopathy. Last evaluated: 2024-03-07. Review status: criteria provided, single submitter. Criteria: Invitae Variant Classification Sherloc (09022015). Collection method: clinical testing. Allele origin: germline.
Comment: This sequence change replaces glutamic acid, which is acidic and polar, with glycine, which is neutral and non-polar, at codon 493 of the NEBL protein (p.Glu493Gly). This variant is not present in population databases (gnomAD no frequency). This variant has not been reported in the literature in individuals affected with NEBL-related conditions. ClinVar contains an entry for this variant (Variation ID: 2162083). An algorithm developed to predict the effect of missense changes on protein structure and function (PolyPhen-2) suggests that this variant is likely to be disruptive. In summary, the available evidence is currently insufficient to determine the role of this variant in disease. Therefore, it has been classified as a Variant of Uncertain Significance.